The following is an entry in ClinVar:

ClinVar aggregate classification (germline): Uncertain significance (1 of 4 stars; one submission).

gnomAD v4.1: 2 of 1,609,954 alleles (0.00012%); highest among the groups gnomAD compares: Admixed American, 0.0017%; no homozygotes.

Submission:

Labcorp Genetics (formerly Invitae), Labcorp
Classification: Uncertain significance. Last evaluated: 2025-06-12. Review status: criteria provided, single submitter. Criteria: Invitae Variant Classification Sherloc (09022015). Collection method: clinical testing. Allele origin: germline.
Comment: This sequence change falls in intron 11 of the CD2AP gene. It does not directly change the encoded amino acid sequence of the CD2AP protein. It affects a nucleotide within the consensus splice site. This variant is not present in population databases (gnomAD no frequency). This variant has not been reported in the literature in individuals affected with CD2AP-related conditions. ClinVar contains an entry for this variant (Variation ID: 3606599). Variants that disrupt the consensus splice site are a relatively common cause of aberrant splicing (PMID: 17576681, 9536098). Algorithms developed to predict the effect of sequence changes on RNA splicing suggest that this variant is not likely to affect RNA splicing. In summary, the available evidence is currently insufficient to determine the role of this variant in disease. Therefore, it has been classified as a Variant of Uncertain Significance.

Literature cited by the submitters: PubMed 17576681; PubMed 9536098.

NM_012120.3(CD2AP):c.1109-3T>A

Gene: CD2AP (CD2 associated protein; plus strand). Cytogenetic location: 6p12.3.
Variant type: single nucleotide variant.
Coding change: c.1109-3T>A on transcript NM_012120.3 (MANE Select); 3 bases into the intron before coding-DNA position 1109, T replaced by A.
Molecular consequence: intron variant.
Genome position (GRCh38, 1-based): chr6:47,595,858, T>A. VCF-style: chr6-47595858-T-A. GRCh37 (hg19) VCF-style: chr6-47563594-T-A.
Identifiers: ClinVar variation 3606599 (VCV003606599.2).